The following is an entry in ClinVar:

NM_005562.3(LAMC2):c.*133C>A

Gene: LAMC2 (laminin subunit gamma 2; plus strand). Cytogenetic location: 1q25.3.
Variant type: single nucleotide variant.
Coding change: c.*133C>A on transcript NM_005562.3 (MANE Select); 133 bases downstream of the stop codon, C replaced by A.
Molecular consequence: 3 prime UTR variant.
Genome position (GRCh38, 1-based): chr1:183,243,533, C>A. VCF-style: chr1-183243533-C-A. GRCh37 (hg19) VCF-style: chr1-183212668-C-A.
Identifiers: ClinVar variation 876293 (VCV000876293.5), dbSNP rs114841922, ClinGen allele CA33949139.

ClinVar aggregate classification (germline): Benign. Review status: criteria provided, multiple submitters, no conflicts (2 of 4 stars). 2 submissions from 2 submitters: Benign (2). Last evaluated 2018-01-13.

Conditions:
Junctional epidermolysis bullosa. Identifiers: Orphanet 305, MedGen C0079301, MONDO:0017612.

Allele frequency attached by ClinVar (database versions not stated): gnomAD exomes 0.00064; 1000 Genomes Project 0.00499; 1000 Genomes Project 30x 0.00515; gnomAD 0.00644 and 0.00698; TOPMed 0.00771.
gnomAD v4.1: 1,619 of 1,113,858 alleles (0.15%); highest among the groups gnomAD compares: African/African-American, 2.2%; 21 homozygotes.

Submissions (2):

Illumina Laboratory Services, Illumina
Classification: Benign for Junctional epidermolysis bullosa. Last evaluated: 2018-01-13. Review status: criteria provided, single submitter. Criteria: ICSL Variant Classification Criteria 13 December 2019. Collection method: clinical testing. Allele origin: germline.
Comment: This variant was observed in the ICSL laboratory as part of a predisposition screen in an ostensibly healthy population. It had not been previously curated by ICSL or reported in the Human Gene Mutation Database (HGMD: prior to June 1st, 2018), and was therefore a candidate for classification through an automated scoring system. Utilizing variant allele frequency, disease prevalence and penetrance estimates, and inheritance mode, an automated score was calculated to assess if this variant is too frequent to cause the disease. Based on the score and internal cut-off values, a variant classified as benign is not then subjected to further curation. The score for this variant resulted in a classification of benign for this disease.

Breakthrough Genomics
Classification: Benign. Review status: criteria provided, single submitter. Criteria: ACMG Guidelines, 2015. Collection method: not provided. Allele origin: germline. Inheritance: Autosomal recessive inheritance. Affected: yes.